The following is an entry in ClinVar:

ClinVar aggregate classification (germline): Conflicting classifications of pathogenicity. Review status: criteria provided, conflicting classifications (1 of 4 stars). 6 submissions from 6 submitters: Uncertain significance (1); Likely benign (5). Last evaluated 2026-01-11.

Conditions:
Cardiovascular phenotype. Identifiers: MedGen CN230736.
Arrhythmogenic right ventricular dysplasia 8 (ARVD8). Also called: ARRHYTHMOGENIC RIGHT VENTRICULAR DYSPLASIA, FAMILIAL, 8; ARRHYTHMOGENIC RIGHT VENTRICULAR CARDIOMYOPATHY 8; Arrhythmogenic Right Ventricular Dysplasia/Cardiomyopathy 8. Identifiers: MedGen C1843896, MONDO:0011831, OMIM 607450.
Arrhythmogenic cardiomyopathy with wooly hair and keratoderma. Also called: Arrhythmogenic cardiomyopathy with woolly hair and keratoderma; Carvajal syndrome; Dilated cardiomyopathy with woolly hair and keratoderma; PALMOPLANTAR KERATODERMA WITH LEFT VENTRICULAR CARDIOMYOPATHY AND WOOLLY HAIR. Identifiers: Orphanet 65282, MedGen C1854063, MONDO:0011581, OMIM 605676.
Cardiomyopathy (CMYO). Also called: Cardiomyopathies. Identifiers: Orphanet 167848, MedGen C0878544, MONDO:0004994, HP:0001638. Inheritance: Various modes of inheritance.

Allele frequency attached by ClinVar (database versions not stated): ExAC 0.00001; gnomAD exomes 0.00001 and 0.00003; gnomAD 0.00002 and 0.00003; TOPMed 0.00002.
gnomAD v4.1: 53 of 1,614,018 alleles (0.0033%); highest among the groups gnomAD compares: Non-Finnish European, 0.0042%; no homozygotes.

Submissions (6):

Labcorp Genetics (formerly Invitae), Labcorp
Classification: Likely benign for Arrhythmogenic cardiomyopathy with wooly hair and keratoderma; Arrhythmogenic right ventricular dysplasia 8. Last evaluated: 2026-01-11. Review status: criteria provided, single submitter. Criteria: Invitae Variant Classification Sherloc (09022015). Collection method: clinical testing. Allele origin: germline.

All of Us Research Program, National Institutes of Health
Classification: Likely benign for Arrhythmogenic cardiomyopathy with wooly hair and keratoderma. Last evaluated: 2024-01-11. Review status: criteria provided, single submitter. Criteria: ACMG Guidelines, 2015. Collection method: clinical testing. Allele origin: germline. Inheritance: Autosomal dominant inheritance. Observed: 7 variant alleles, 7 heterozygotes.
Comment: This study involves interpretation of variants in research participants for the purpose of population health screening. Participant phenotype was not available at the time of variant classification. Additional details can be found in publication PMID: 35346344, PMCID: PMC8962531

Blueprint Genetics
Classification: Likely benign. Last evaluated: 2023-12-16. Review status: criteria provided, single submitter. Criteria: ACMG Guidelines, 2015. Collection method: clinical testing. Allele origin: germline.

Ambry Genetics
Classification: Likely benign for Cardiovascular phenotype. Last evaluated: 2021-02-23. Review status: criteria provided, single submitter. Criteria: Ambry Variant Classification Scheme 2023. Collection method: clinical testing. Allele origin: germline.

Color Diagnostics, LLC DBA Color Health
Classification: Likely benign for Cardiomyopathy. Last evaluated: 2019-03-30. Review status: criteria provided, single submitter. Criteria: ACMG Guidelines, 2015. Collection method: clinical testing. Allele origin: germline.

GeneDx
Classification: Uncertain significance. Last evaluated: 2014-09-18. Review status: criteria provided, single submitter. Criteria: GeneDx Variant Classification (06012015). Collection method: clinical testing. Allele origin: germline. Affected: yes.
Comment: p.Gly2525Gly (GGC>GGT): c.7575 C>T in exon 24 of the DSP gene (NM_004415.2). The c.7575 C>T variant has not been published as a mutation, nor has it been reported as a benign polymorphism to our knowledge. While this variant results in a synonymous amino acid substitution (G2525G), in silico splice prediction programs predict that c.7575 C>T leads to the creation of a cryptic splice donor site. This variant is predicted to lead to either an abnormal message that is subject to nonsense-mediated mRNA decay, or to an abnormal protein product if the message is used for protein translation. Other splice site mutations in the DSP gene have been reported in association with cardiomyopathy. Additionally, the c.7575 C>T variant was not observed in approximately 6,500 individuals of European and African American ancestry in the NHLBI Exome Sequencing Project, indicating it is not a common benign variant in these populations. Therefore, based on the currently available information, it is unclear whether this variant is a pathogenic mutation or a rare benign variant. The variant is found in CARDIOMYOPATHY panel(s).

NM_004415.4(DSP):c.7575C>T (p.Gly2525=)

Gene: DSP (desmoplakin; plus strand). Cytogenetic location: 6p24.3.
Variant type: single nucleotide variant.
Coding change: c.7575C>T on transcript NM_004415.4 (MANE Select); coding-DNA position 7575, C replaced by T.
Protein change: p.Gly2525=; no amino-acid change (glycine 2525 retained).
Molecular consequence: synonymous variant.
Genome position (GRCh38, 1-based): chr6:7,584,837, C>T. VCF-style: chr6-7584837-C-T. GRCh37 (hg19) VCF-style: chr6-7585070-C-T.
Other names: p.G2525G:GGC>GGT; c.5778C>T, p.Gly1926= (NM_001008844.3); c.6246C>T, p.Gly2082= (NM_001319034.2); c.7575C>T (LRG_423t1).
Identifiers: ClinVar variation 199940 (VCV000199940.18), dbSNP rs780156504, ClinGen allele CA007234.